The following is an entry in ClinVar:

ClinVar aggregate classification (germline): Benign/Likely benign (0 of 4 stars; one submission).

Submission:

ISCA Site 6
Classification: Benign/Likely benign. Review status: no assertion criteria provided. Collection method: clinical testing. Allele origin: unknown. Affected: yes. Observed: 5 variant alleles. Clinical features observed: Developmental delay AND/OR other significant developmental or morphological phenotypes.
Comment: Likely benign (1), Benign (4)

Copy number variation identified through the course of routine clinical cytogenomic testing in postnatal populations, with clinical assertions as classified by the original submitter. For data from the original published study, Kaminsky, et al. 2011 (PubMed 21844811), please see nstd101.

GRCh37/hg19 2q11.2(chr2:99858723-99914955)x3

Genes: LYG1 (lysozyme g1; minus strand), LYG2 (lysozyme g2; minus strand). Cytogenetic location: 2q11.2.
Variant type: copy number gain.
Change: copy number 3 (three copies instead of two) of chr2:99,858,723-99,914,955 (56.2 kb, GRCh37 coordinates, 1-based), cytogenetic band 2q11.2.
Identifiers: ClinVar variation 394949 (VCV000394949.3).